The following is an entry in ClinVar:

NM_024422.6(DSC2):c.845del (p.Tyr282fs)

Gene: DSC2 (desmocollin 2; minus strand). Cytogenetic location: 18q12.1.
Variant type: Deletion.
Coding change: c.845del on transcript NM_024422.6 (MANE Select); coding-DNA position 845, one base deleted (A; older notation c.845delA).
Protein change: p.Tyr282fs; shifts the reading frame from tyrosine 282.
Molecular consequence: frameshift variant.
Genome position (GRCh38, 1-based): chr18:31,086,673, T deleted on the plus strand (A on the coding strand, the reverse complement: DSC2 is on the minus strand). VCF-style (leftmost placement, unchanged base first): chr18-31086672-GT-G. GRCh37 (hg19) VCF-style: chr18-28666635-GT-G.
Other names: c.416del, p.Tyr139fs (NM_001406506.1, NM_001406507.1); c.845del, p.Tyr282fs (NM_004949.5); short protein forms Y139fs, Y282fs.
Identifiers: ClinVar variation 3641955 (VCV003641955.2).

ClinVar aggregate classification (germline): Pathogenic (1 of 4 stars; one submission).

Conditions:
Arrhythmogenic right ventricular dysplasia 11. Also called: ARRHYTHMOGENIC RIGHT VENTRICULAR DYSPLASIA, FAMILIAL, 11; Arrhythmogenic Right Ventricular Dysplasia/Cardiomyopathy11; Arrhythmogenic right ventricular dysplasia 11 with mild palmoplantar keratoderma and woolly hair. Identifiers: MedGen C1864850, MONDO:0012506, OMIM 610476.

Submission:

Labcorp Genetics (formerly Invitae), Labcorp
Classification: Pathogenic for Arrhythmogenic right ventricular dysplasia 11. Last evaluated: 2024-02-19. Review status: criteria provided, single submitter. Criteria: Invitae Variant Classification Sherloc (09022015). Collection method: clinical testing. Allele origin: germline.
Comment: This sequence change creates a premature translational stop signal (p.Tyr282Serfs*22) in the DSC2 gene. It is expected to result in an absent or disrupted protein product. Loss-of-function variants in DSC2 are known to be pathogenic (PMID: 23911551). This variant is not present in population databases (gnomAD no frequency). This variant has not been reported in the literature in individuals affected with DSC2-related conditions. For these reasons, this variant has been classified as Pathogenic.

Literature cited by the submitters: PubMed 23911551.